The following is an entry in ClinVar:

NM_013393.3(MRM2):c.137C>G (p.Ala46Gly)

Gene: MRM2 (mitochondrial rRNA methyltransferase 2; minus strand). Cytogenetic location: 7p22.3.
Variant type: single nucleotide variant.
Coding change: c.137C>G on transcript NM_013393.3 (MANE Select); coding-DNA position 137, C replaced by G.
Protein change: p.Ala46Gly; replaces alanine 46 with glycine.
Molecular consequence: missense variant.
Genome position (GRCh38, 1-based): chr7:2,239,579, G>C on the plus strand (C>G on the coding strand, the complement: MRM2 is on the minus strand). VCF-style: chr7-2239579-G-C. GRCh37 (hg19) VCF-style: chr7-2279214-G-C.
Other names: short protein forms A46G.
Identifiers: ClinVar variation 2716895 (VCV002716895.4), dbSNP rs150856697, ClinGen allele CA4124098.

ClinVar aggregate classification (germline): Uncertain significance (1 of 4 stars; one submission).

Allele frequency attached by ClinVar (database versions not stated): gnomAD exomes 0.00002; ExAC 0.00009; 1000 Genomes Project 30x 0.00016; gnomAD 0.00017; 1000 Genomes Project 0.00020; TOPMed 0.00026; ESP Exome Variant Server 0.00031.

Submissions (2):

Labcorp Genetics (formerly Invitae), Labcorp
Classification: Uncertain significance. Last evaluated: 2023-03-21. Review status: criteria provided, single submitter. Criteria: Invitae Variant Classification Sherloc (09022015). Collection method: clinical testing. Allele origin: germline.
Comment: This sequence change replaces alanine, which is neutral and non-polar, with glycine, which is neutral and non-polar, at codon 46 of the MRM2 protein (p.Ala46Gly). This variant is present in population databases (rs150856697, gnomAD 0.1%). This variant has not been reported in the literature in individuals affected with MRM2-related conditions. An algorithm developed to predict the effect of missense changes on protein structure and function (PolyPhen-2) suggests that this variant is likely to be disruptive. In summary, the available evidence is currently insufficient to determine the role of this variant in disease. Therefore, it has been classified as a Variant of Uncertain Significance.

Dr. Peter K. Rogan Lab, Western University
No classification provided (evidence only). Condition: Hepatocellular carcinoma. Review status: no classification provided. Collection method: in vitro. Allele origin: not applicable. Functional consequence: retained intron. Not counted in ClinVar's aggregate classification.